The following is an entry in ClinVar:

ClinVar aggregate classification (germline): Pathogenic (1 of 4 stars; one submission).

Conditions:
Diamond-Blackfan anemia. Also called: Blackfan Diamond syndrome; Aregenerative anemia chronic congenital; Red cell aplasia, pure hereditary; Congenital hypoplastic anemia; Aase syndrome. Identifiers: Orphanet 124, MedGen C1260899, MeSH D029503, MONDO:0015253, HP:0004810.

Submission:

Labcorp Genetics (formerly Invitae), Labcorp
Classification: Pathogenic for Diamond-Blackfan anemia. Last evaluated: 2023-11-24. Review status: criteria provided, single submitter. Criteria: Invitae Variant Classification Sherloc (09022015). Collection method: clinical testing. Allele origin: germline.
Comment: This sequence change creates a premature translational stop signal (p.Glu98*) in the RPS24 gene. It is expected to result in an absent or disrupted protein product. Loss-of-function variants in RPS24 are known to be pathogenic (PMID: 17186470, 20960466). This variant is not present in population databases (gnomAD no frequency). This variant has not been reported in the literature in individuals affected with RPS24-related conditions. For these reasons, this variant has been classified as Pathogenic.

Literature cited by the submitters: PubMed 17186470; PubMed 20960466.

NM_033022.4(RPS24):c.292G>T (p.Glu98Ter)

Gene: RPS24 (ribosomal protein S24; plus strand). Cytogenetic location: 10q22.3.
Variant type: single nucleotide variant.
Coding change: c.292G>T on transcript NM_033022.4 (MANE Select); coding-DNA position 292, G replaced by T.
Protein change: p.Glu98Ter; replaces glutamic acid 98 with a stop codon.
Molecular consequence: nonsense.
Genome position (GRCh38, 1-based): chr10:78,037,206, G>T. VCF-style: chr10-78037206-G-T. GRCh37 (hg19) VCF-style: chr10-79796964-G-T.
Other names: c.292G>T, p.Glu98Ter (NM_001026.5, NM_001142282.2, NM_001142283.2 and 2 more transcripts); short protein forms E98*.
Identifiers: ClinVar variation 2698487 (VCV002698487.3), dbSNP rs2493287899, ClinGen allele CA377329672.